The following is an entry in ClinVar:

NM_000048.4(ASL):c.1340G>A (p.Ser447Asn)

Gene: ASL (argininosuccinate lyase; plus strand). Cytogenetic location: 7q11.21.
Variant type: single nucleotide variant.
Coding change: c.1340G>A on transcript NM_000048.4 (MANE Select); coding-DNA position 1340, G replaced by A.
Protein change: p.Ser447Asn; replaces serine 447 with asparagine.
Molecular consequence: missense variant.
Genome position (GRCh38, 1-based): chr7:66,092,857, G>A. VCF-style: chr7-66092857-G-A. GRCh37 (hg19) VCF-style: chr7-65557844-G-A.
Other names: c.1340G>A, p.Ser447Asn (NM_001024943.2); c.1280G>A, p.Ser427Asn (NM_001024944.2); c.1262G>A, p.Ser421Asn (NM_001024946.2); short protein forms S421N, S427N, S447N.
Identifiers: ClinVar variation 2446277 (VCV002446277.3), dbSNP rs373519615, ClinGen allele CA159942893.

ClinVar aggregate classification (germline): Likely pathogenic. Review status: criteria provided, multiple submitters, no conflicts (2 of 4 stars). 2 submissions from 2 submitters: Likely pathogenic (2). Last evaluated 2024-03-26.

Conditions:
Argininosuccinate lyase deficiency. Also called: Argininosuccinic aciduria; ARGININOSUCCINIC ACID LYASE DEFICIENCY; ASL DEFICIENCY. Identifiers: Orphanet 23, MedGen C0268547, MONDO:0008815, OMIM 207900, HP:0025630.

Allele frequency attached by ClinVar (database versions not stated): TOPMed below 0.00001; gnomAD 0.00001; ESP Exome Variant Server 0.00008.
gnomAD v4.1: 3 of 1,612,710 alleles (0.00019%); highest among the groups gnomAD compares: Non-Finnish European, 0.00025%; no homozygotes.

Submissions (2):

Baylor Genetics
Classification: Likely pathogenic for Argininosuccinate lyase deficiency. Last evaluated: 2024-03-26. Review status: criteria provided, single submitter. Criteria: ACMG Guidelines, 2015. Collection method: clinical testing. Allele origin: unknown.

GeneDx
Classification: Likely pathogenic. Last evaluated: 2022-09-22. Review status: criteria provided, single submitter. Criteria: GeneDx Variant Classification Process June 2021. Collection method: clinical testing. Allele origin: germline. Affected: yes.
Comment: Not observed at significant frequency in large population cohorts (gnomAD); Missense variants in this gene are often considered pathogenic (HGMD); In silico analysis supports that this missense variant does not alter protein structure/function; This variant is associated with the following publications: (PMID: 31943503, 24166829)